The following is an entry in ClinVar:

ClinVar aggregate classification (germline): Benign/Likely benign. Review status: criteria provided, multiple submitters, no conflicts (2 of 4 stars). 2 submissions from 2 submitters: Benign (1); Likely benign (1). Last evaluated 2025-03-24.

Conditions:
Familial thoracic aortic aneurysm and aortic dissection (TAAD). Also called: Thoracic aortic aneurysms and dissections. Identifiers: Orphanet 91387, MedGen C4707243, MONDO:0019625.
Hereditary cancer-predisposing syndrome. Also called: Hereditary neoplastic syndrome; Neoplastic Syndromes, Hereditary; Tumor predisposition; Hereditary Cancer Syndrome. Identifiers: Orphanet 140162, MedGen C0027672, MeSH D009386, MONDO:0015356.
Juvenile polyposis/hereditary hemorrhagic telangiectasia syndrome (JPHT). Also called: JP/HHT SYNDROME; JUVENILE POLYPOSIS WITH HEREDITARY HEMORRHAGIC TELANGIECTASIA; POLYPOSIS, GENERALIZED JUVENILE, WITH PULMONARY ARTERIOVENOUS MALFORMATION; TELANGIECTASIA, HEREDITARY HEMORRHAGIC, WITH JUVENILE POLYPOSIS COLI; Juvenile Polyposis Syndrome / Hereditary Hemorrhagic Telangiectasia (JPS/HHT). Identifiers: Orphanet 2929, MedGen C1832942, MONDO:0008278, OMIM 175050.

Submissions (2):

Myriad Genetics, Inc.
Classification: Benign for Juvenile polyposis/hereditary hemorrhagic telangiectasia syndrome. Last evaluated: 2025-03-24. Review status: criteria provided, single submitter. Criteria: Myriad Autosomal Dominant, Autosomal Recessive and X-Linked Classification Criteria (2023). Collection method: clinical testing. Allele origin: unknown.
Comment: This variant is considered benign. This variant is a silent/synonymous amino acid change and it is not expected to impact splicing.

Ambry Genetics
Classification: Likely benign for Hereditary cancer-predisposing syndrome; Familial thoracic aortic aneurysm and aortic dissection. Last evaluated: 2020-06-26. Review status: criteria provided, single submitter. Criteria: Ambry Variant Classification Scheme 2023. Collection method: clinical testing. Allele origin: germline.

NM_005359.6(SMAD4):c.1530A>T (p.Gly510=)

Gene: SMAD4 (SMAD family member 4; plus strand). Cytogenetic location: 18q21.2.
Variant type: single nucleotide variant.
Coding change: c.1530A>T on transcript NM_005359.6 (MANE Select); coding-DNA position 1530, A replaced by T.
Protein change: p.Gly510=; no amino-acid change (glycine 510 retained).
Molecular consequence: synonymous variant. On other transcripts: non-coding transcript variant (1).
Genome position (GRCh38, 1-based): chr18:51,078,338, A>T. VCF-style: chr18-51078338-A-T. GRCh37 (hg19) VCF-style: chr18-48604708-A-T.
Other names: c.1530A>T, p.Gly510= (NM_001407041.1, NM_001407042.1).
Identifiers: ClinVar variation 1774609 (VCV001774609.3), dbSNP rs1568211560, ClinGen allele CA503874009.